The following is an entry in ClinVar:

NM_001042492.3(NF1):c.4416_4430+8del

Gene: NF1 (neurofibromin 1; plus strand). Cytogenetic location: 17q11.2.
Variant type: Deletion.
Coding change: c.4416_4430+8del on transcript NM_001042492.3 (MANE Select); coding-DNA position 4416 through 8 bases into the intron after coding-DNA position 4430, 23 bases deleted (TGATGCAGCACGCAGGTAATTTT).
Molecular consequence: splice donor variant.
Genome position (GRCh38, 1-based): chr17:31,259,115-31,259,137, TGATGCAGCACGCAGGTAATTTT deleted; deleting any 23 consecutive bases within chr17:31,259,113-31,259,137 gives the same sequence; the c. name uses the placement nearest the transcript's 3' end. VCF-style (leftmost placement, unchanged base first): chr17-31259112-CTTTGATGCAGCACGCAGGTAATT-C. GRCh37 (hg19) VCF-style: chr17-29586130-CTTTGATGCAGCACGCAGGTAATT-C.
Other names: c.4353_4367+8del23 (NM_000267.3); c.4353_4367+8del (NM_000267.4).
Identifiers: ClinVar variation 3237781 (VCV003237781.1), dbSNP rs2508414236.

ClinVar aggregate classification (germline): Likely pathogenic (1 of 4 stars; one submission).

Conditions:
Hereditary cancer-predisposing syndrome. Also called: Neoplastic Syndromes, Hereditary; Tumor predisposition; Hereditary neoplastic syndrome; Hereditary Cancer Syndrome. Identifiers: Orphanet 140162, MedGen C0027672, MeSH D009386, MONDO:0015356.
Cardiovascular phenotype. Identifiers: MedGen CN230736.

Submission:

Ambry Genetics
Classification: Likely pathogenic for Cardiovascular phenotype; Hereditary cancer-predisposing syndrome. Last evaluated: 2024-03-12. Review status: criteria provided, single submitter. Criteria: Ambry Variant Classification Scheme 2023. Collection method: clinical testing. Allele origin: germline.
Comment: The c.4353_4367+8del23 variant results from a deletion of 23 nucleotides between positions 4353 and 4367+8 and involves the canonical splice donor site after coding exon 32 of the NF1 gene. This variant is considered to be rare based on population cohorts in the Genome Aggregation Database (gnomAD). The canonical splice donor site is highly conserved in available vertebrate species. In silico splice site analysis predicts that this alteration will weaken the native splice donor site. RNA studies have demonstrated that this alteration results in abnormal splicing in the set of samples tested (Ambry internal data). Alterations that disrupt the canonical splice site are expected to cause aberrant splicing, resulting in an abnormal protein or a transcript that is subject to nonsense-mediated mRNA decay. As such, this alteration is classified as likely pathogenic.